The following is an entry in ClinVar:

ClinVar aggregate classification (germline): Uncertain significance. Review status: criteria provided, multiple submitters, no conflicts (2 of 4 stars). 4 submissions from 4 submitters: Uncertain significance (4). Last evaluated 2026-01-16.

Conditions:
Neuronal ceroid lipofuscinosis. Also called: Neuronal Ceroid Lipofuscinoses. Identifiers: Orphanet 216, Orphanet 79263, MedGen C0027877, MONDO:0016295. Disease mechanism: loss of function.
Inborn genetic diseases. Identifiers: MedGen C0950123, MeSH D030342.
Neuronal ceroid lipofuscinosis 3 (CLN3). Identifiers: Orphanet 228346, MedGen C0751383, MONDO:0008767, OMIM 204200.

Allele frequency attached by ClinVar (database versions not stated): gnomAD 0.00001; gnomAD exomes 0.00001; TOPMed 0.00001; ExAC 0.00003.

Submissions (4):

GeneDx
Classification: Uncertain significance. Last evaluated: 2026-01-16. Review status: criteria provided, single submitter. Criteria: GeneDx Variant Classification Process June 2021. Collection method: clinical testing. Allele origin: germline. Affected: yes.
Comment: Not observed at significant frequency in large population cohorts (gnomAD); In silico analysis suggests that this missense variant does not alter protein structure/function; Has not been previously published as pathogenic or benign to our knowledge

Ambry Genetics
Classification: Uncertain significance for Inborn genetic diseases. Last evaluated: 2024-05-30. Review status: criteria provided, single submitter. Criteria: Ambry Variant Classification Scheme 2023. Collection method: clinical testing. Allele origin: germline.

Labcorp Genetics (formerly Invitae), Labcorp
Classification: Uncertain significance for Neuronal ceroid lipofuscinosis. Last evaluated: 2022-07-19. Review status: criteria provided, single submitter. Criteria: Invitae Variant Classification Sherloc (09022015). Collection method: clinical testing. Allele origin: germline.
Comment: This sequence change replaces glutamic acid, which is acidic and polar, with lysine, which is basic and polar, at codon 257 of the CLN3 protein (p.Glu257Lys). This variant is present in population databases (rs771303379, gnomAD 0.004%). This variant has not been reported in the literature in individuals affected with CLN3-related conditions. ClinVar contains an entry for this variant (Variation ID: 205119). Algorithms developed to predict the effect of missense changes on protein structure and function (SIFT, PolyPhen-2, Align-GVGD) all suggest that this variant is likely to be tolerated. In summary, the available evidence is currently insufficient to determine the role of this variant in disease. Therefore, it has been classified as a Variant of Uncertain Significance.

Genome-Nilou Lab
Classification: Uncertain significance for Neuronal ceroid lipofuscinosis 3. Last evaluated: 2021-09-05. Review status: criteria provided, single submitter. Criteria: ACMG Guidelines, 2015. Collection method: clinical testing. Allele origin: germline. Affected: no.

NM_001042432.2(CLN3):c.769G>A (p.Glu257Lys)

Gene: CLN3 (CLN3 lysosomal/endosomal transmembrane protein, battenin; minus strand). Cytogenetic location: 16p12.1.
Variant type: single nucleotide variant.
Coding change: c.769G>A on transcript NM_001042432.2 (MANE Select); coding-DNA position 769, G replaced by A.
Protein change: p.Glu257Lys; replaces glutamic acid 257 with lysine.
Molecular consequence: missense variant.
Genome position (GRCh38, 1-based): chr16:28,484,027, C>T on the plus strand (G>A on the coding strand, the complement: CLN3 is on the minus strand). VCF-style: chr16-28484027-C-T. GRCh37 (hg19) VCF-style: chr16-28495348-C-T.
Other names: p.E257K:GAG>AAG; c.769G>A, p.Glu257Lys (NM_000086.2); c.697G>A, p.Glu233Lys (NM_001286104.2); c.469G>A, p.Glu157Lys (NM_001286105.2); c.535G>A, p.Glu179Lys (NM_001286109.2); c.607G>A, p.Glu203Lys (NM_001286110.2); short protein forms E257K, E179K, E157K, E203K, E233K.
Identifiers: ClinVar variation 205119 (VCV000205119.10), dbSNP rs771303379, ClinGen allele CA313841.